The following is an entry in ClinVar:

ClinVar aggregate classification (germline): Likely benign. Review status: criteria provided, multiple submitters, no conflicts (2 of 4 stars). 3 submissions from 3 submitters: Likely benign (3). Last evaluated 2025-06-29.

Conditions:
TTLL5-related disorder. Also called: TTLL5-related condition.

Allele frequency attached by ClinVar (database versions not stated): gnomAD exomes 0.00002 and 0.00005; ExAC 0.00004; ESP Exome Variant Server 0.00008; TOPMed 0.00008; gnomAD 0.00009 and 0.00010.
gnomAD v4.1: 43 of 1,613,510 alleles (0.0027%); highest among the groups gnomAD compares: African/African-American, 0.031%; no homozygotes.

Submissions (3):

Labcorp Genetics (formerly Invitae), Labcorp
Classification: Likely benign. Last evaluated: 2025-06-29. Review status: criteria provided, single submitter. Criteria: Invitae Variant Classification Sherloc (09022015). Collection method: clinical testing. Allele origin: germline.

PreventionGenetics, part of Exact Sciences
Classification: Likely benign for TTLL5-related condition. Last evaluated: 2025-05-22. Review status: criteria provided, single submitter. Criteria: ACMG Guidelines, 2015. Collection method: clinical testing. Allele origin: germline.
Comment: This variant is classified as likely benign based on ACMG/AMP sequence variant interpretation guidelines (Richards et al. 2015 PMID: 25741868, with internal and published modifications).

Blueprint Genetics
Classification: Likely benign. Last evaluated: 2022-08-11. Review status: criteria provided, single submitter. Criteria: ACMG Guidelines, 2015. Collection method: clinical testing. Allele origin: germline.

NM_015072.5(TTLL5):c.1059C>T (p.Asp353=)

Gene: TTLL5 (tubulin tyrosine ligase like 5; plus strand). Cytogenetic location: 14q24.3.
Variant type: single nucleotide variant.
Coding change: c.1059C>T on transcript NM_015072.5 (MANE Select); coding-DNA position 1059, C replaced by T.
Protein change: p.Asp353=; no amino-acid change (aspartic acid 353 retained).
Molecular consequence: synonymous variant.
Genome position (GRCh38, 1-based): chr14:75,732,354, C>T. VCF-style: chr14-75732354-C-T. GRCh37 (hg19) VCF-style: chr14-76198697-C-T.
Other names: c.1059C>T (NM_015072.4).
Identifiers: ClinVar variation 1117215 (VCV001117215.11), dbSNP rs373070614, ClinGen allele CA7279227.